The following is an entry in ClinVar:

NM_005445.4(SMC3):c.2428-195G>A

Gene: SMC3 (structural maintenance of chromosomes 3; plus strand). Cytogenetic location: 10q25.2.
Variant type: single nucleotide variant.
Coding change: c.2428-195G>A on transcript NM_005445.4 (MANE Select); 195 bases into the intron before coding-DNA position 2428, G replaced by A.
Molecular consequence: intron variant.
Genome position (GRCh38, 1-based): chr10:110,600,244, G>A. VCF-style: chr10-110600244-G-A. GRCh37 (hg19) VCF-style: chr10-112360002-G-A.
Identifiers: ClinVar variation 670114 (VCV000670114.1), dbSNP rs1890921, ClinGen allele CA213248030.

ClinVar aggregate classification (germline): Benign (1 of 4 stars; one submission).

Allele frequency attached by ClinVar (database versions not stated): 1000 Genomes Project 30x 0.95534; 1000 Genomes Project 0.95707; TOPMed 0.96173; gnomAD 0.96687 and 0.96823.
gnomAD v4.1: 147,440 of 152,284 alleles (97%); highest among the groups gnomAD compares: South Asian, 100%; 71,431 homozygotes.

Submission:

GeneDx
Classification: Benign. Last evaluated: 2018-06-16. Review status: criteria provided, single submitter. Criteria: GeneDx Variant Classification (06012015). Collection method: clinical testing. Allele origin: germline. Affected: yes.
Comment: This variant is considered likely benign or benign based on one or more of the following criteria: it is a conservative change, it occurs at a poorly conserved position in the protein, it is predicted to be benign by multiple in silico algorithms, and/or has population frequency not consistent with disease.